The following is an entry in ClinVar:

ClinVar aggregate classification (germline): Pathogenic (1 of 4 stars; one submission).

Conditions:
MHC class II deficiency. Also called: BLS, TYPE II; Bare lymphocyte syndrome 2. Identifiers: Orphanet 572, MedGen C5447452, MONDO:0008855.

Submission:

Labcorp Genetics (formerly Invitae), Labcorp
Classification: Pathogenic for MHC class II deficiency. Last evaluated: 2025-12-24. Review status: criteria provided, single submitter. Criteria: Invitae Variant Classification Sherloc (09022015). Collection method: clinical testing. Allele origin: germline.
Comment: This sequence change creates a premature translational stop signal (p.Asp94Argfs*14) in the RFXAP gene. It is expected to result in an absent or disrupted protein product. Loss-of-function variants in RFXAP are known to be pathogenic (PMID: 9118943, 22390233). This variant is not present in population databases (gnomAD no frequency). This variant has not been reported in the literature in individuals affected with RFXAP-related conditions. For these reasons, this variant has been classified as Pathogenic.

Literature cited by the submitters: PubMed 9118943; PubMed 22390233.

NM_000538.4(RFXAP):c.279dup (p.Asp94fs)

Gene: RFXAP (regulatory factor X associated protein; plus strand). Cytogenetic location: 13q13.3.
Variant type: Duplication.
Coding change: c.279dup on transcript NM_000538.4 (MANE Select); coding-DNA position 279, one base duplicated (A; older notation c.279dupA).
Protein change: p.Asp94fs; shifts the reading frame from aspartic acid 94.
Molecular consequence: frameshift variant.
Genome position (GRCh38, 1-based): chr13:36,819,636, A duplicated. VCF-style (leftmost placement, unchanged base first): chr13-36819635-T-TA. GRCh37 (hg19) VCF-style: chr13-37393772-T-TA.
Other names: short protein forms D94fs.
Identifiers: ClinVar variation 4734127 (VCV004734127.1).
Genomic context (GRCh38, chr13:36,819,635, plus strand): 5'-ACCTGTGCGAAGGGGCCGGGGATGGCGAAGAGGAGGCTGGGGAGGACGAGGCGGACCTGT[T>TA]AGACACTTCGGACCCTCCGGGGGGAGGCGAGAGCGCGGCTAGTTTGGAGGATCTAGAGGA-3'